The following is an entry in ClinVar:

ClinVar aggregate classification (germline): Benign (1 of 4 stars; one submission).

Conditions:
Spondyloepiphyseal dysplasia tarda (SEDT). Also called: SPONDYLOEPIPHYSEAL DYSPLASIA, LATE. Identifiers: Orphanet 93284, MedGen CN033239, MONDO:0019667.

Allele frequency attached by ClinVar (database versions not stated): gnomAD 0.00662 and 0.00704; 1000 Genomes Project 30x 0.00666; 1000 Genomes Project 0.00689; TOPMed 0.00728.

Submission:

Illumina Laboratory Services, Illumina
Classification: Benign for Spondyloepiphyseal dysplasia tarda, X-linked. Last evaluated: 2018-01-12. Review status: criteria provided, single submitter. Criteria: ICSL Variant Classification Criteria 13 December 2019. Collection method: clinical testing. Allele origin: germline.
Comment: This variant was observed in the ICSL laboratory as part of a predisposition screen in an ostensibly healthy population. It had not been previously curated by ICSL or reported in the Human Gene Mutation Database (HGMD: prior to June 1st, 2018), and was therefore a candidate for classification through an automated scoring system. Utilizing variant allele frequency, disease prevalence and penetrance estimates, and inheritance mode, an automated score was calculated to assess if this variant is too frequent to cause the disease. Based on the score and internal cut-off values, a variant classified as benign is not then subjected to further curation. The score for this variant resulted in a classification of benign for this disease.

NM_001011658.4(TRAPPC2):c.*1443G>A

Gene: TRAPPC2 (trafficking protein particle complex subunit 2; minus strand). Cytogenetic location: Xp22.2.
Variant type: single nucleotide variant.
Coding change: c.*1443G>A on transcript NM_001011658.4 (MANE Select); 1443 bases downstream of the stop codon, G replaced by A.
Molecular consequence: 3 prime UTR variant.
Genome position (GRCh38, 1-based): chrX:13,712,964, C>T on the plus strand (G>A on the coding strand, the complement: TRAPPC2 is on the minus strand). VCF-style: chrX-13712964-C-T. GRCh37 (hg19) VCF-style: chrX-13731083-C-T.
Other names: c.*1443G>A (NM_001128835.3, NM_014563.6).
Identifiers: ClinVar variation 915019 (VCV000915019.4), dbSNP rs148298471, ClinGen allele CA326090210.